The following is an entry in ClinVar:

ClinVar aggregate classification (germline): Likely benign. Review status: criteria provided, multiple submitters, no conflicts (2 of 4 stars). 7 submissions from 7 submitters: Likely benign (6). 1 of the submissions does not count toward it. Last evaluated 2025-11-22.

Conditions:
Coenzyme Q10 deficiency, primary, 1. Also called: UBIQUINONE DEFICIENCY 1; COENZYME Q DEFICIENCY 1; CoQ DEFICIENCY 1. Identifiers: Orphanet 255249, MedGen C3551954, MONDO:0011829, OMIM 607426.
Multiple system atrophy 1, susceptibility to. Also called: MSA1, SUSCEPTIBILITY TO. Identifiers: MedGen C3714927, MONDO:0020715, OMIM 146500.
COQ2-related disorder. Also called: COQ2-related condition.

Allele frequency attached by ClinVar (database versions not stated): gnomAD exomes 0.00004 and 0.00012; ExAC 0.00017; gnomAD 0.00054 and 0.00057; ESP Exome Variant Server 0.00068; 1000 Genomes Project 0.00080; TOPMed 0.00084; 1000 Genomes Project 30x 0.00094.

Submissions (7):

Labcorp Genetics (formerly Invitae), Labcorp
Classification: Likely benign. Last evaluated: 2025-11-22. Review status: criteria provided, single submitter. Criteria: Invitae Variant Classification Sherloc (09022015). Collection method: clinical testing. Allele origin: germline.

Blueprint Genetics
Classification: Likely benign. Last evaluated: 2024-06-24. Review status: criteria provided, single submitter. Criteria: ACMG Guidelines, 2015. Collection method: clinical testing. Allele origin: germline.

CeGaT Center for Human Genetics Tuebingen
Classification: Likely benign. Last evaluated: 2022-09-01. Review status: criteria provided, single submitter. Criteria: CeGaT Center For Human Genetics Tuebingen Variant Classification Criteria Version 2. Collection method: clinical testing. Allele origin: germline. Affected: yes. Observed: 1 variant allele.
Comment: COQ2: BP4, BP7

Fulgent Genetics
Classification: Likely benign for Multiple system atrophy 1, susceptibility to; Coenzyme Q10 deficiency, primary, 1. Last evaluated: 2021-08-20. Review status: criteria provided, single submitter. Criteria: ACMG Guidelines, 2015. Collection method: clinical testing. Allele origin: unknown.

GeneDx
Classification: Likely benign. Last evaluated: 2021-03-25. Review status: criteria provided, single submitter. Criteria: GeneDx Variant Classification Process June 2021. Collection method: clinical testing. Allele origin: germline. Affected: yes.

Breakthrough Genomics
Classification: Likely benign. Review status: criteria provided, single submitter. Criteria: ACMG Guidelines, 2015. Collection method: not provided. Allele origin: germline. Inheritance: Autosomal recessive inheritance. Affected: yes.

PreventionGenetics, part of Exact Sciences
Classification: Likely benign for COQ2-related condition. Last evaluated: 2019-08-12. Review status: no assertion criteria provided. Collection method: clinical testing. Allele origin: germline. Not counted in ClinVar's aggregate classification.
Comment: This variant is classified as likely benign based on ACMG/AMP sequence variant interpretation guidelines (Richards et al. 2015 PMID: 25741868, with internal and published modifications).

NM_001358921.2(COQ2):c.1044C>T (p.Val348=)

Gene: COQ2 (coenzyme Q2, polyprenyltransferase; minus strand). Cytogenetic location: 4q21.23.
Variant type: single nucleotide variant.
Coding change: c.1044C>T on transcript NM_001358921.2 (MANE Select); coding-DNA position 1044, C replaced by T.
Protein change: p.Val348=; no amino-acid change (valine 348 retained).
Molecular consequence: synonymous variant.
Genome position (GRCh38, 1-based): chr4:83,264,271, G>A on the plus strand (C>T on the coding strand, the complement: COQ2 is on the minus strand). VCF-style: chr4-83264271-G-A. GRCh37 (hg19) VCF-style: chr4-84185424-G-A.
Other names: c.1194C>T, p.Val398= (NM_015697.9).
Identifiers: ClinVar variation 384976 (VCV000384976.39), dbSNP rs6834269, ClinGen allele CA2988448.
Genomic context (GRCh38, chr4:83,264,271, plus strand): 5'-TTTATTCTCTATACCCTTCTTTGTTTTGTCTGTCTTCTTTTCTTTCCACAAATTCCCAAG[G>A]ACAATCCCTAAAAAAACTATTAGTCCCAGTGTTCGGTTGGAGATAAATTTATTCCAACAA-3'
Protein context (NP_001345850.1, residues 338-358): TLGLIVFLGI[Val348=]LGNLWKEKKT